The following is an entry in ClinVar:

ClinVar aggregate classification (germline): Uncertain significance (1 of 4 stars; one submission).

Conditions:
Primary open angle glaucoma (POAG). Also called: OPTN-related open angle glaucoma. Identifiers: MedGen C0339573, MONDO:0100553, OMIM 137760.
Glaucoma 1, open angle, E. Identifiers: MedGen C1842026, MONDO:0007665.
Amyotrophic lateral sclerosis type 12 (ALS12). Also called: AMYOTROPHIC LATERAL SCLEROSIS 12 WITH OR WITHOUT FRONTOTEMPORAL DEMENTIA. Identifiers: Orphanet 803, MedGen C3150692, MONDO:0013264, OMIM 613435.

Allele frequency attached by ClinVar (database versions not stated): gnomAD exomes 0.00001 and 0.00003; ExAC 0.00002; gnomAD 0.00003; TOPMed 0.00003.
gnomAD v4.1: 24 of 1,613,542 alleles (0.0015%); highest among the groups gnomAD compares: East Asian, 0.022%; no homozygotes.

Submission:

Labcorp Genetics (formerly Invitae), Labcorp
Classification: Uncertain significance for Primary open angle glaucoma; Glaucoma 1, open angle, E; Amyotrophic lateral sclerosis type 12. Last evaluated: 2020-10-08. Review status: criteria provided, single submitter. Criteria: Invitae Variant Classification Sherloc (09022015). Collection method: clinical testing. Allele origin: germline.
Comment: In summary, the available evidence is currently insufficient to determine the role of this variant in disease. Therefore, it has been classified as a Variant of Uncertain Significance. Algorithms developed to predict the effect of missense changes on protein structure and function are either unavailable or do not agree on the potential impact of this missense change (SIFT: "Tolerated"; PolyPhen-2: "Possibly Damaging"; Align-GVGD: "Class C0"). This variant has been observed in individual(s) with OPTN-related conditions (PMID: 31788332, 21217154, 26503823, 27485216). This variant is present in population databases (rs540943401, ExAC 0.02%). This sequence change replaces arginine with cysteine at codon 271 of the OPTN protein (p.Arg271Cys). The arginine residue is weakly conserved and there is a large physicochemical difference between arginine and cysteine.

Literature cited by the submitters: PubMed 31788332; PubMed 21217154; PubMed 26503823; PubMed 27485216.

NM_001008212.2(OPTN):c.811C>T (p.Arg271Cys)

Gene: OPTN (optineurin; plus strand). Cytogenetic location: 10p13.
Variant type: single nucleotide variant.
Coding change: c.811C>T on transcript NM_001008212.2 (MANE Select); coding-DNA position 811, C replaced by T.
Protein change: p.Arg271Cys; replaces arginine 271 with cysteine.
Molecular consequence: missense variant.
Genome position (GRCh38, 1-based): chr10:13,122,416, C>T. VCF-style: chr10-13122416-C-T. GRCh37 (hg19) VCF-style: chr10-13164416-C-T.
Other names: c.811C>T, p.Arg271Cys (NM_001008211.1, NM_001008213.1, NM_021980.4); short protein forms R271C.
Identifiers: ClinVar variation 1042597 (VCV001042597.9), dbSNP rs540943401, ClinGen allele CA5410759.